The following is an entry in ClinVar:

ClinVar aggregate classification (germline): Conflicting classifications of pathogenicity. Review status: criteria provided, conflicting classifications (1 of 4 stars). 4 submissions from 4 submitters: Uncertain significance (3); Likely benign (1). Last evaluated 2025-01-19.

Conditions:
Donnai-Barrow syndrome. Also called: DBS/FOAR SYNDROME; FACIOOCULOACOUSTICORENAL SYNDROME. Identifiers: Orphanet 2143, MedGen C1857277, MONDO:0009104, OMIM 222448.
LRP2-related disorder. Also called: LRP2-related condition.

Allele frequency attached by ClinVar (database versions not stated): gnomAD 0.00001; gnomAD exomes 0.00001 and 0.00002; TOPMed 0.00001; ExAC 0.00002.
gnomAD v4.1: 16 of 1,613,698 alleles (0.00099%); highest among the groups gnomAD compares: African/African-American, 0.0027%; no homozygotes.

Submissions (4):

Labcorp Genetics (formerly Invitae), Labcorp
Classification: Likely benign. Last evaluated: 2025-01-19. Review status: criteria provided, single submitter. Criteria: Invitae Variant Classification Sherloc (09022015). Collection method: clinical testing. Allele origin: germline.

PreventionGenetics, part of Exact Sciences
Classification: Uncertain significance for LRP2-related condition. Last evaluated: 2023-03-15. Review status: criteria provided, single submitter. Criteria: ACMG Guidelines, 2015. Collection method: clinical testing. Allele origin: germline.
Comment: The LRP2 c.3573A>G variant is not predicted to result in an amino acid change (p.=). To our knowledge, this variant has not been reported in the literature. This variant is reported in 0.0062% of alleles in individuals of African descent in gnomAD. At this time, the clinical significance of this variant is uncertain due to the absence of conclusive functional and genetic evidence.

Fulgent Genetics
Classification: Uncertain significance for Donnai-Barrow syndrome. Last evaluated: 2022-05-04. Review status: criteria provided, single submitter. Criteria: ACMG Guidelines, 2015. Collection method: clinical testing. Allele origin: unknown.

Breakthrough Genomics
Classification: Uncertain significance. Review status: criteria provided, single submitter. Criteria: ACMG Guidelines, 2015. Collection method: not provided. Allele origin: germline. Inheritance: Autosomal recessive inheritance. Affected: yes.

NM_004525.3(LRP2):c.3573A>G (p.Gln1191=)

Gene: LRP2 (LDL receptor related protein 2; minus strand). Cytogenetic location: 2q31.1.
Variant type: single nucleotide variant.
Coding change: c.3573A>G on transcript NM_004525.3 (MANE Select); coding-DNA position 3573, A replaced by G.
Protein change: p.Gln1191=; no amino-acid change (glutamine 1191 retained).
Molecular consequence: synonymous variant.
Genome position (GRCh38, 1-based): chr2:169,243,050, T>C on the plus strand (A>G on the coding strand, the complement: LRP2 is on the minus strand). VCF-style: chr2-169243050-T-C. GRCh37 (hg19) VCF-style: chr2-170099560-T-C.
Other names: c.3573A>G (NM_004525.2).
Identifiers: ClinVar variation 1447181 (VCV001447181.10), dbSNP rs750430784, ClinGen allele CA1954998.
Genomic context (GRCh38, chr2:169,243,050, plus strand): 5'-AAAAACACCATCACAACGATTTGTGACGCCAATACATTTATCCCCACTGGCACACTTGAA[T>C]TGAGAAGCAGTACAGTTTAATACTAAGAATGAAAGAGAAAAGCATTAGAAATTAGCTCAG-3'
Protein context (NP_004516.2, residues 1181-1201): VGCVLNCTAS[Gln1191=]FKCASGDKCI